The following is an entry in ClinVar:

NM_000465.4(BARD1):c.1904-10T>C

Gene: BARD1 (BRCA1 associated RING domain 1; minus strand). Cytogenetic location: 2q35.
Variant type: single nucleotide variant.
Coding change: c.1904-10T>C on transcript NM_000465.4 (MANE Select); 10 bases into the intron before coding-DNA position 1904, T replaced by C.
Molecular consequence: intron variant.
Genome position (GRCh38, 1-based): chr2:214,730,518, A>G on the plus strand (T>C on the coding strand, the complement: BARD1 is on the minus strand). VCF-style: chr2-214730518-A-G. GRCh37 (hg19) VCF-style: chr2-215595242-A-G.
Other names: c.1904-10T>C (LRG_297t1); c.494-10T>C (NM_001282548.2); c.1847-10T>C (NM_001282543.2); c.551-10T>C (NM_001282545.2); c.365-10T>C (NM_001282549.2).
Identifiers: ClinVar variation 582741 (VCV000582741.14), dbSNP rs768259863, ClinGen allele CA64793866.

ClinVar aggregate classification (germline): Conflicting classifications of pathogenicity. Review status: criteria provided, conflicting classifications (1 of 4 stars). 3 submissions from 3 submitters: Uncertain significance (1); Likely benign (2). Last evaluated 2025-08-17.

Conditions:
Familial cancer of breast. Also called: Hereditary breast cancer; hereditary breast carcinoma; BREAST CANCER, FAMILIAL. Identifiers: Orphanet 227535, MedGen C0346153, MONDO:0016419, OMIM 114480. Disease mechanism: loss of function.
Hereditary cancer-predisposing syndrome. Also called: Neoplastic Syndromes, Hereditary; Hereditary Cancer Syndrome; Tumor predisposition; Hereditary neoplastic syndrome. Identifiers: Orphanet 140162, MedGen C0027672, MeSH D009386, MONDO:0015356.

Allele frequency attached by ClinVar (database versions not stated): TOPMed 0.00001; gnomAD 0.00003.
gnomAD v4.1: 2 of 1,608,322 alleles (0.00012%); highest among the groups gnomAD compares: African/African-American, 0.0027%; no homozygotes.

Submissions (3):

Labcorp Genetics (formerly Invitae), Labcorp
Classification: Likely benign for Familial cancer of breast. Last evaluated: 2025-08-17. Review status: criteria provided, single submitter. Criteria: Invitae Variant Classification Sherloc (09022015). Collection method: clinical testing. Allele origin: germline.

Myriad Genetics, Inc.
Classification: Likely benign for Familial cancer of breast. Last evaluated: 2024-07-29. Review status: criteria provided, single submitter. Criteria: Myriad Autosomal Dominant, Autosomal Recessive and X-Linked Classification Criteria (2023). Collection method: clinical testing. Allele origin: unknown.
Comment: This variant is considered likely benign. This variant is intronic and is not expected to impact mRNA splicing.

Color Diagnostics, LLC DBA Color Health
Classification: Uncertain significance for Hereditary cancer-predisposing syndrome. Last evaluated: 2019-08-01. Review status: criteria provided, single submitter. Criteria: ACMG Guidelines, 2015. Collection method: clinical testing. Allele origin: germline.
Comment: This variant causes a T>C nucleotide substitution at the -10 position of intron 9 of the BARD1 gene. To our knowledge, functional assays have not been performed for this variant nor has this variant been reported in individuals affected with hereditary cancer in the literature. This variant has been identified in 1/31406 chromosomes in the general population by the Genome Aggregation Database (gnomAD). Available evidence is insufficient to determine the role of this variant in disease conclusively. Therefore, this variant is classified as a Variant of Uncertain Significance.